The following is an entry in ClinVar:

NM_007078.3(LDB3):c.990T>C (p.Ser330=)

Gene: LDB3 (LIM domain binding 3; plus strand). Cytogenetic location: 10q23.2.
Variant type: single nucleotide variant.
Coding change: c.990T>C on transcript NM_007078.3 (MANE Select); coding-DNA position 990, T replaced by C.
Protein change: p.Ser330=; no amino-acid change (serine 330 retained).
Molecular consequence: synonymous variant. On other transcripts: intron variant (4).
Genome position (GRCh38, 1-based): chr10:86,706,624, T>C. VCF-style: chr10-86706624-T-C. GRCh37 (hg19) VCF-style: chr10-88466381-T-C.
Other names: c.849T>C, p.Ser283= (NM_001368066.1); c.897-3281T>C (NM_001368064.1, NM_001368065.1); c.1101-3281T>C (NM_001171610.2); c.756-3281T>C (NM_001080114.2).
Identifiers: ClinVar variation 1768586 (VCV001768586.7), dbSNP rs1030546921, ClinGen allele CA211196343.
Genomic context (GRCh38, chr10:86,706,624, plus strand): 5'-CCAGGCCACCACCCCGCTGCTGCCCGCTTCTGCCCAGCCACCTGCTGCTGCCTCTCCCAG[T>C]GCGGCTTCGCCACCCCTGGCCACAGCTGCTGCCCACACTGCCATCGCCTCCGCCTCCACC-3'
Protein context (NP_009009.1, residues 320-340): SAQPPAAASP[Ser330=]AASPPLATAA

ClinVar aggregate classification (germline): Conflicting classifications of pathogenicity. Review status: criteria provided, conflicting classifications (1 of 4 stars). 2 submissions from 2 submitters: Uncertain significance (1); Likely benign (1). Last evaluated 2026-01-19.

Conditions:
Cardiovascular phenotype. Identifiers: MedGen CN230736.
Myofibrillar myopathy 4. Also called: Zaspopathy (type). Identifiers: Orphanet 98912, MedGen C4721886, MONDO:0012277, OMIM 609452.

Allele frequency attached by ClinVar (database versions not stated): gnomAD exomes below 0.00001; gnomAD 0.00001; TOPMed 0.00001.
gnomAD v4.1: 6 of 1,613,050 alleles (0.00037%); highest among the groups gnomAD compares: Admixed American, 0.0017%; no homozygotes.

Submissions (2):

Labcorp Genetics (formerly Invitae), Labcorp
Classification: Uncertain significance for Myofibrillar myopathy 4. Last evaluated: 2026-01-19. Review status: criteria provided, single submitter. Criteria: Invitae Variant Classification Sherloc (09022015). Collection method: clinical testing. Allele origin: germline.
Comment: The LDB3 gene has multiple clinically relevant transcripts. This variant occurs in alternate transcript NM_007078.3, and corresponds to NM_001080116.1:c.*7250T>C in the primary transcript. This sequence change affects codon 330 of the LDB3 mRNA. It is a 'silent' change, meaning that it does not change the encoded amino acid sequence of the LDB3 protein. This variant is not present in population databases (gnomAD no frequency). This variant has not been reported in the literature in individuals affected with LDB3-related conditions. Experimental studies and prediction algorithms are not available or were not evaluated, and the effect of this variant on mRNA splicing is currently unknown. In summary, the available evidence is currently insufficient to determine the role of this variant in disease. Therefore, it has been classified as a Variant of Uncertain Significance.

Ambry Genetics
Classification: Likely benign for Cardiovascular phenotype. Last evaluated: 2019-11-11. Review status: criteria provided, single submitter. Criteria: Ambry Variant Classification Scheme 2023. Collection method: clinical testing. Allele origin: germline.